The following is an entry in ClinVar:

ClinVar aggregate classification (germline): Likely pathogenic (1 of 4 stars; one submission).

Conditions:
Autosomal recessive polycystic kidney disease (ARPKD). Also called: AR polycystic kidney disease. Identifiers: Orphanet 731, Orphanet 8378, MedGen C0085548, MeSH D017044, MONDO:0009889.

Submission:

Labcorp Genetics (formerly Invitae), Labcorp
Classification: Likely pathogenic for Autosomal recessive polycystic kidney disease. Last evaluated: 2021-01-29. Review status: criteria provided, single submitter. Criteria: Invitae Variant Classification Sherloc (09022015). Collection method: clinical testing. Allele origin: germline.
Comment: In summary, the currently available evidence indicates that the variant is pathogenic, but additional data are needed to prove that conclusively. Therefore, this variant has been classified as Likely Pathogenic. Donor and acceptor splice site variants typically lead to a loss of protein function (PMID: 16199547), and loss-of-function variants in PKHD1 are known to be pathogenic (PMID: 19940839). Algorithms developed to predict the effect of sequence changes on RNA splicing suggest that this variant may disrupt the consensus splice site, but this prediction has not been confirmed by published transcriptional studies. This variant has not been reported in the literature in individuals with PKHD1-related conditions. This variant is not present in population databases (ExAC no frequency). This sequence change affects an acceptor splice site in intron 58 of the PKHD1 gene. It is expected to disrupt RNA splicing and likely results in an absent or disrupted protein product.

Literature cited by the submitters: PubMed 16199547; PubMed 19940839.

NM_138694.4(PKHD1):c.9830-2A>C

Gene: PKHD1 (PKHD1 ciliary IPT domain containing fibrocystin/polyductin; minus strand). Cytogenetic location: 6p12.3.
Variant type: single nucleotide variant.
Coding change: c.9830-2A>C on transcript NM_138694.4 (MANE Select); the canonical splice acceptor site of the intron before coding-DNA position 9830, A replaced by C.
Molecular consequence: splice acceptor variant.
Genome position (GRCh38, 1-based): chr6:51,746,891, T>G on the plus strand (A>C on the coding strand, the complement: PKHD1 is on the minus strand). VCF-style: chr6-51746891-T-G. GRCh37 (hg19) VCF-style: chr6-51611689-T-G.
Other names: c.9830-2A>C (NM_170724.3).
Identifiers: ClinVar variation 1068078 (VCV001068078.7), dbSNP rs890681861, ClinGen allele CA364419835.
Genomic context (GRCh38, chr6:51,746,891, plus strand): 5'-AATGCAGACATCCAGGTCATCGCTATAGCAACTCTTCACAAAACTAGAAAAGGTAACATC[T>G]GAAATTTTAAAAATATGTATCATAATATTATATCATATAAACCACCAGCCACAAATATCG-3'